The following is an entry in ClinVar:

ClinVar aggregate classification (germline): Conflicting classifications of pathogenicity. Review status: criteria provided, conflicting classifications (1 of 4 stars). 2 submissions from 2 submitters: Uncertain significance (1); Likely benign (1). Last evaluated 2025-01-23.

Conditions:
Hereditary cancer-predisposing syndrome. Also called: Neoplastic Syndromes, Hereditary; Hereditary Cancer Syndrome; Hereditary neoplastic syndrome; Tumor predisposition. Identifiers: Orphanet 140162, MedGen C0027672, MeSH D009386, MONDO:0015356.

Submissions (2):

Ambry Genetics
Classification: Likely benign for Hereditary cancer-predisposing syndrome. Last evaluated: 2025-01-23. Review status: criteria provided, single submitter. Criteria: Ambry Variant Classification Scheme 2023. Collection method: clinical testing. Allele origin: germline.

Labcorp Genetics (formerly Invitae), Labcorp
Classification: Uncertain significance. Last evaluated: 2023-06-05. Review status: criteria provided, single submitter. Criteria: Invitae Variant Classification Sherloc (09022015). Collection method: clinical testing. Allele origin: germline.
Comment: In summary, the available evidence is currently insufficient to determine the role of this variant in disease. Therefore, it has been classified as a Variant of Uncertain Significance. This sequence change replaces leucine, which is neutral and non-polar, with isoleucine, which is neutral and non-polar, at codon 582 of the POLE protein (p.Leu582Ile). This variant is not present in population databases (gnomAD no frequency). Advanced modeling of protein sequence and biophysical properties (such as structural, functional, and spatial information, amino acid conservation, physicochemical variation, residue mobility, and thermodynamic stability) performed at Invitae indicates that this missense variant is not expected to disrupt POLE protein function. This variant has not been reported in the literature in individuals affected with POLE-related conditions.

NM_006231.4(POLE):c.1744C>A (p.Leu582Ile)

Gene: POLE (DNA polymerase epsilon, catalytic subunit; minus strand). Cytogenetic location: 12q24.33.
Variant type: single nucleotide variant.
Coding change: c.1744C>A on transcript NM_006231.4 (MANE Select); coding-DNA position 1744, C replaced by A.
Protein change: p.Leu582Ile; replaces leucine 582 with isoleucine.
Molecular consequence: missense variant.
Genome position (GRCh38, 1-based): chr12:132,672,265, G>T on the plus strand (C>A on the coding strand, the complement: POLE is on the minus strand). VCF-style: chr12-132672265-G-T. GRCh37 (hg19) VCF-style: chr12-133248851-G-T.
Other names: c.1744C>A (NM_006231.2); short protein forms L582I.
Identifiers: ClinVar variation 2871093 (VCV002871093.4), dbSNP rs761273376, ClinGen allele CA387356315.